The following is an entry in ClinVar:

NM_000051.4(ATM):c.5875G>A (p.Glu1959Lys)

Genes: ATM (ATM serine/threonine kinase; plus strand), C11orf65 (chromosome 11 open reading frame 65; minus strand). Cytogenetic location: 11q22.3.
Variant type: single nucleotide variant.
Coding change: c.5875G>A on transcript NM_000051.4 (MANE Select); coding-DNA position 5875, G replaced by A.
Protein change: p.Glu1959Lys; replaces glutamic acid 1959 with lysine.
Molecular consequence: missense variant. On other transcripts: intron variant (2).
Genome position (GRCh38, 1-based): chr11:108,310,272, G>A. VCF-style: chr11-108310272-G-A. GRCh37 (hg19) VCF-style: chr11-108180999-G-A.
Other names: c.5875G>A, p.Glu1959Lys (NM_001351834.2); c.641-1201C>T (NM_001330368.2); c.*39-1201C>T (NM_001351110.2); short protein forms E1959K.
Identifiers: ClinVar variation 1750216 (VCV001750216.2), dbSNP rs2136017422, ClinGen allele CA382548512.

ClinVar aggregate classification (germline): Uncertain significance (1 of 4 stars; one submission).

Conditions:
Hereditary cancer-predisposing syndrome. Also called: Hereditary neoplastic syndrome; Neoplastic Syndromes, Hereditary; Tumor predisposition; Hereditary Cancer Syndrome. Identifiers: Orphanet 140162, MedGen C0027672, MeSH D009386, MONDO:0015356.

Submission:

Ambry Genetics
Classification: Uncertain significance for Hereditary cancer-predisposing syndrome. Last evaluated: 2021-06-08. Review status: criteria provided, single submitter. Criteria: Ambry Variant Classification Scheme 2023. Collection method: clinical testing. Allele origin: germline.
Comment: The p.E1959K variant (also known as c.5875G>A), located in coding exon 38 of the ATM gene, results from a G to A substitution at nucleotide position 5875. The glutamic acid at codon 1959 is replaced by lysine, an amino acid with similar properties. This amino acid position is highly conserved in available vertebrate species. In addition, the in silico prediction for this alteration is inconclusive. Since supporting evidence is limited at this time, the clinical significance of this alteration remains unclear.